The following is an entry in ClinVar:

ClinVar aggregate classification (germline): Likely pathogenic (1 of 4 stars; one submission).

Conditions:
Autosomal recessive limb-girdle muscular dystrophy type 2J (LGMDR10). Also called: Limb-girdle muscular dystrophy, type 2J; MUSCULAR DYSTROPHY, LIMB-GIRDLE, AUTOSOMAL RECESSIVE 10. Identifiers: Orphanet 140922, MedGen C1837342, MONDO:0012127, OMIM 608807.
Dilated cardiomyopathy 1G (CMD1G). Identifiers: Orphanet 154, MedGen C1858763, MONDO:0011400, OMIM 604145.

Submission:

Labcorp Genetics (formerly Invitae), Labcorp
Classification: Likely pathogenic for Dilated cardiomyopathy 1G; Autosomal recessive limb-girdle muscular dystrophy type 2J. Last evaluated: 2025-11-17. Review status: criteria provided, single submitter. Criteria: Invitae Variant Classification Sherloc (09022015). Collection method: clinical testing. Allele origin: germline.
Comment: This sequence change creates a premature translational stop signal (p.Ile22821Serfs*3) in the TTN gene. While this is not anticipated to result in nonsense mediated decay, it is expected to create a truncated TTN protein. This variant is not present in population databases (gnomAD no frequency). This variant has not been reported in the literature in individuals affected with TTN-related conditions. This variant is located in the A band of TTN (PMID: 25589632). Truncating variants in this region are significantly overrepresented in patients affected with dilated cardiomyopathy (PMID: 25589632). Truncating variants in this region have also been reported in individuals affected with autosomal recessive centronuclear myopathy (PMID: 23975875). In summary, the currently available evidence indicates that the variant is pathogenic, but additional data are needed to prove that conclusively. Therefore, this variant has been classified as Likely Pathogenic.

Literature cited by the submitters: PubMed 25589632; PubMed 23975875.

NM_001267550.2(TTN):c.68461del (p.Ile22821fs)

Genes: TTN (titin; minus strand), TTN-AS1 (TTN antisense RNA 1; plus strand). Cytogenetic location: 2q31.2.
Variant type: Deletion.
Coding change: c.68461del on transcript NM_001267550.2 (MANE Select); coding-DNA position 68461, one base deleted (A; older notation c.68461delA).
Protein change: p.Ile22821fs; shifts the reading frame from isoleucine 22821.
Molecular consequence: frameshift variant.
Genome position (GRCh38, 1-based): chr2:178,578,054, T deleted on the plus strand (A on the coding strand, the reverse complement: TTN is on the minus strand); the first of 2 consecutive T bases (chr2:178,578,054-178,578,055); deleting either gives the same sequence. VCF-style (leftmost placement, unchanged base first): chr2-178578053-AT-A. GRCh37 (hg19) VCF-style: chr2-179442780-AT-A.
Other names: c.63538del, p.Ile21180fs (NM_001256850.1); c.41266del, p.Ile13756fs (NM_003319.4); c.60757del, p.Ile20253fs (NM_133378.4); c.41641del, p.Ile13881fs (NM_133432.3); c.41842del, p.Ile13948fs (NM_133437.4); short protein forms I13756fs, I20253fs, I21180fs, I22821fs, I13881fs, I13948fs.
Identifiers: ClinVar variation 4786319 (VCV004786319.1).